The following is an entry in ClinVar:

NM_001849.4(COL6A2):c.2386_2388del (p.Lys796del)

Gene: COL6A2 (collagen type VI alpha 2 chain; plus strand). Cytogenetic location: 21q22.3.
Variant type: Deletion.
Coding change: c.2386_2388del on transcript NM_001849.4 (MANE Select); coding-DNA positions 2386 to 2388, 3 bases deleted (AAG; older notation c.2386_2388delAAG).
Protein change: p.Lys796del; deletes lysine 796.
Molecular consequence: inframe deletion.
Genome position (GRCh38, 1-based): chr21:46,126,201-46,126,203, AAG deleted; deleting any 3 consecutive bases within chr21:46,126,199-46,126,203 gives the same sequence; the c. name uses the placement nearest the transcript's 3' end. VCF-style (leftmost placement, unchanged base first): chr21-46126198-GAGA-G. GRCh37 (hg19) VCF-style: chr21-47546112-GAGA-G.
Other names: c.2386_2388del, p.Lys796del (NM_058174.3, NM_058175.3); c.2386_2388delAAG (NM_001849.3); short protein forms K796del.
Identifiers: ClinVar variation 542970 (VCV000542970.10), dbSNP rs747378168, ClinGen allele CA10072541.

ClinVar aggregate classification (germline): Uncertain significance. Review status: criteria provided, multiple submitters, no conflicts (2 of 4 stars). 2 submissions from 2 submitters: Uncertain significance (2). Last evaluated 2025-03-21.

Conditions:
Bethlem myopathy 1A. Also called: MYOPATHY, BENIGN CONGENITAL, WITH CONTRACTURES; Bethlem Muscular Dystrophy; Bethlem myopathy 1. Identifiers: Orphanet 610, MedGen CN029274, MONDO:0024530, OMIM 158810.

Submissions (2):

Revvity Omics, Revvity
Classification: Uncertain significance. Last evaluated: 2025-03-21. Review status: criteria provided, single submitter. Criteria: ACMG Guidelines, 2015. Collection method: clinical testing. Allele origin: germline.

Labcorp Genetics (formerly Invitae), Labcorp
Classification: Uncertain significance for Bethlem myopathy 1A. Last evaluated: 2022-09-01. Review status: criteria provided, single submitter. Criteria: Invitae Variant Classification Sherloc (09022015). Collection method: clinical testing. Allele origin: germline.
Comment: This variant has not been reported in the literature in individuals affected with COL6A2-related conditions. This variant is present in population databases (rs747378168, gnomAD 0.01%). This variant, c.2386_2388del, results in the deletion of 1 amino acid(s) of the COL6A2 protein (p.Lys796del), but otherwise preserves the integrity of the reading frame. ClinVar contains an entry for this variant (Variation ID: 542970). In summary, the available evidence is currently insufficient to determine the role of this variant in disease. Therefore, it has been classified as a Variant of Uncertain Significance. Algorithms developed to predict the effect of sequence changes on RNA splicing suggest that this variant may create or strengthen a splice site. Experimental studies and prediction algorithms are not available or were not evaluated, and the functional significance of this variant is currently unknown.